The following is an entry in ClinVar:

ClinVar aggregate classification (germline): Uncertain significance. Review status: criteria provided, multiple submitters, no conflicts (2 of 4 stars). 12 submissions from 12 submitters: Uncertain significance (11). 1 of the submissions does not count toward it. Last evaluated 2026-08-24.

Conditions:
Pheochromocytoma/paraganglioma syndrome 4. Also called: SDHB-Related Hereditary Paraganglioma-Pheochromocytoma Syndrome; CAROTID BODY TUMORS AND MULTIPLE EXTRAADRENAL PHEOCHROMOCYTOMAS; Paragangliomas 4; SDHB-Related Hereditary Paraganglioma-Pheochromocytoma Syndrome (Paragangliomas 4); PARAGANGLIOMA, FAMILIAL MALIGNANT; PARAGANGLIOMAS, HEREDITARY EXTRAADRENAL. Identifiers: Orphanet 29072, MedGen C1861848, MONDO:0007273, OMIM 115310.
Gastrointestinal stromal tumor. Also called: Gastrointestinal stroma tumor; Gastrointestinal stromal tumor, somatic. Identifiers: Orphanet 44890, MedGen C0238198, MeSH D046152, MONDO:0011719, OMIM 606764, HP:0100723.
Pheochromocytoma. Also called: MAX-Related Hereditary Paraganglioma-Pheochromocytoma Syndrome. Identifiers: Orphanet 29072, MedGen C0031511, MONDO:0008233, OMIM 171300, HP:0002666.
SDHB-related disorder. Also called: SDHB-related condition; SDHB-related disorders. Identifiers: MedGen CN239418.
Hereditary cancer-predisposing syndrome. Also called: Hereditary neoplastic syndrome; Tumor predisposition; Hereditary Cancer Syndrome; Neoplastic Syndromes, Hereditary. Identifiers: Orphanet 140162, MedGen C0027672, MeSH D009386, MONDO:0015356.
Hereditary pheochromocytoma and paraganglioma. Also called: Hereditary pheochromocytoma-paraganglioma; Hereditary paragangliomas and pheochromocytomas; Hereditary Paraganglioma-Pheochromocytoma Syndromes. Identifiers: Orphanet 29072, MedGen C4274332, MONDO:0017366.

Allele frequency attached by ClinVar (database versions not stated): ExAC 0.00001; gnomAD exomes 0.00002; gnomAD 0.00011 and 0.00012; 1000 Genomes Project 30x 0.00016; 1000 Genomes Project 0.00020; TOPMed 0.00027.
gnomAD v4.1: 31 of 1,614,186 alleles (0.0019%); highest among the groups gnomAD compares: Admixed American, 0.042%; no homozygotes.

Submissions (12):

PreventionGenetics, part of Exact Sciences
Classification: Uncertain significance for SDHB-related condition. Last evaluated: 2026-08-24. Review status: criteria provided, single submitter. Criteria: ACMG Guidelines, 2015. Collection method: clinical testing. Allele origin: germline.
Comment: The SDHB c.403G>A variant is predicted to result in the amino acid substitution p.Val135Met. To our knowledge, this variant has not been identified in individuals with SDHB associated conditions. This variant is reported in 0.0033% of alleles in individuals of South Asian descent in gnomAD. This variant is classified as uncertain in ClinVar (Variation ID: 41770). At this time, the clinical significance of this variant is uncertain due to the absence of conclusive functional and genetic evidence.

Labcorp Genetics (formerly Invitae), Labcorp
Classification: Uncertain significance for Gastrointestinal stromal tumor; Pheochromocytoma/paraganglioma syndrome 4; Pheochromocytoma. Last evaluated: 2025-12-28. Review status: criteria provided, single submitter. Criteria: Invitae Variant Classification Sherloc (09022015). Collection method: clinical testing. Allele origin: germline.
Comment: This sequence change replaces valine, which is neutral and non-polar, with methionine, which is neutral and non-polar, at codon 135 of the SDHB protein (p.Val135Met). This variant is present in population databases (rs201585157, gnomAD 0.003%). This variant has not been reported in the literature in individuals affected with SDHB-related conditions. ClinVar contains an entry for this variant (Variation ID: 41770). Invitae Evidence Modeling of protein sequence and biophysical properties (such as structural, functional, and spatial information, amino acid conservation, physicochemical variation, residue mobility, and thermodynamic stability) indicates that this missense variant is expected to disrupt SDHB protein function with a positive predictive value of 80%. RNA analysis performed to evaluate the impact of this missense change on mRNA splicing indicates it does not significantly alter splicing (internal data). In summary, the available evidence is currently insufficient to determine the role of this variant in disease. Therefore, it has been classified as a Variant of Uncertain Significance.

Ambry Genetics
Classification: Uncertain significance for Hereditary cancer-predisposing syndrome. Last evaluated: 2025-10-09. Review status: criteria provided, single submitter. Criteria: Ambry Variant Classification Scheme 2023. Collection method: clinical testing. Allele origin: germline.
Comment: The p.V135M variant (also known as c.403G>A), located in coding exon 4 of the SDHB gene, results from a G to A substitution at nucleotide position 403. The valine at codon 135 is replaced by methionine, an amino acid with highly similar properties. This amino acid position is highly conserved in available vertebrate species. In addition, this alteration is predicted to be deleterious by in silico analysis. Based on the available evidence, the clinical significance of this variant remains unclear.

Color Diagnostics, LLC DBA Color Health
Classification: Uncertain significance for Hereditary pheochromocytoma and paraganglioma. Last evaluated: 2025-08-20. Review status: criteria provided, single submitter. Criteria: ACMG Guidelines, 2015. Collection method: clinical testing. Allele origin: germline.
Comment: This missense variant replaces valine with methionine at codon 135 of the SDHB protein. Computational prediction suggests that this variant may have deleterious impact on protein structure and function. To our knowledge, functional studies have not been reported for this variant. This variant has not been reported in individuals affected with SDHB-related disorders in the literature. This variant has been identified in 4/251440 chromosomes in the general population by the Genome Aggregation Database (gnomAD). The available evidence is insufficient to determine the role of this variant in disease conclusively. Therefore, this variant is classified as a Variant of Uncertain Significance.

GeneDx
Classification: Uncertain significance. Last evaluated: 2025-07-29. Review status: criteria provided, single submitter. Criteria: GeneDx Variant Classification Process June 2021. Collection method: clinical testing. Allele origin: germline. Affected: yes.
Comment: Observed in 1/572 individuals with atherosclerosis, with no specific information about cancer history (PMID: 22703879); Not observed at significant frequency in large population cohorts (gnomAD); In silico analysis supports that this missense variant has a deleterious effect on protein structure/function; In silico analysis is inconclusive as to whether the variant alters gene splicing. In the absence of RNA/functional studies, the actual effect of this sequence change is unknown.; This variant is associated with the following publications: (PMID: 22703879)

ARUP Laboratories, Molecular Genetics and Genomics, ARUP Laboratories
Classification: Uncertain significance. Last evaluated: 2025-07-15. Review status: criteria provided, single submitter. Criteria: ARUP Molecular Germline Variant Investigation Process 2024. Collection method: clinical testing. Allele origin: germline.
Comment: The SDHB c.403G>A; p.Val135Met variant (rs201585157, ClinVar Variation ID: 41770) is reported in the literature in an individual affected with atherosclerosis phenotypes (Johnston 2012). This variant is found in the population with an overall allele frequency of 0.016% (4/251440 alleles) in the Genome Aggregation Database (v2.1.1). Computational analyses predict that this variant is deleterious (REVEL: 0.794). Due to limited information, the clinical significance of this variant is uncertain at this time. References: Johnston et al. Secondary variants in individuals undergoing exome sequencing: screening of 572 individuals identifies high-penetrance mutations in cancer-susceptibility genes. Am J Hum Genet. 2012 Jul 13;91(1):97-108. doi: 10.1016/j.ajhg.2012.05.021. Epub 2012 Jun 14. PMID: 22703879.

Quest Diagnostics Nichols Institute San Juan Capistrano
Classification: Uncertain significance. Last evaluated: 2025-06-06. Review status: criteria provided, single submitter. Criteria: Quest Diagnostics criteria. Collection method: clinical testing. Allele origin: unknown.

Women's Health and Genetics/Laboratory Corporation of America, LabCorp
Classification: Uncertain significance. Last evaluated: 2025-04-07. Review status: criteria provided, single submitter. Criteria: LabCorp Variant Classification Summary - May 2015. Collection method: clinical testing. Allele origin: germline.
Comment: Variant summary: SDHB c.403G>A (p.Val135Met) results in a conservative amino acid change in the encoded protein sequence. Four of five in-silico tools predict a damaging effect of the variant on protein function. The variant allele was found at a frequency of 6e-05 in 364808 control chromosomes, predominantly at a frequency of 0.00035 within the South Asian subpopulation in the gnomAD database. Although the available data on variant occurrences in the general population are insufficient to allow any conclusion about variant significance for Autosomal Recessive Mitochondrial complex II deficiency, nuclear type 4, the observed variant frequency within South Asian control individuals in the gnomAD database is approximately 11 fold of the estimated maximal expected allele frequency for a pathogenic variant in SDHB causing Pheochromocytoma phenotype (3.2e-05). c.403G>A has been reported in the literature in one individual from a cohort with atherosclerosis phenotypes (e.g., Johnston_2012), however without evidence for causality (e.g., lack of co-segregation or co-occurrence data). These report(s) do not provide unequivocal conclusions about association of the variant with Mitochondrial complex II deficiency, nuclear type 4 or Pheochromocytoma/Hereditary Paraganglioma-Pheochromocytoma Syndrome. To our knowledge, no experimental evidence demonstrating an impact on protein function has been reported. The following publication have been ascertained in the context of this evaluation (PMID: 22703879). ClinVar contains an entry for this variant (Variation ID: 41770). Based on the evidence outlined above, the variant was classified as uncertain significance.

Baylor Genetics
Classification: Uncertain significance for Gastrointestinal stromal tumor. Last evaluated: 2024-03-11. Review status: criteria provided, single submitter. Criteria: ACMG Guidelines, 2015. Collection method: clinical testing. Allele origin: unknown.

Sema4
Classification: Uncertain significance for Hereditary cancer-predisposing syndrome. Last evaluated: 2021-11-09. Review status: criteria provided, single submitter. Criteria: Sema4 Curation Guidelines. Collection method: curation. Allele origin: germline.
Comment: To the best of our knowledge, the SDHB c.403G>A (p.V135M) variant has not been reported in individuals with SDHB-related disease. It was observed in 4/251440 chromosomes across all populations, in the large and broad cohorts of the Genome Aggregation Database (PMID: 32461654). The variant has been reported in ClinVar (Variation ID 41770). In silico tools suggest the impact of the variant on protein function is deleterious, though these predictions have not been confirmed by functional studies. The evidence is insufficient to meet ACMG/AMP criteria for classifying the variant as benign or pathogenic. Thus, the clinical significance of this variant is currently uncertain.

Blueprint Genetics
Classification: Uncertain significance. Last evaluated: 2019-09-12. Review status: criteria provided, single submitter. Criteria: ACMG Guidelines, 2015. Collection method: clinical testing. Allele origin: germline.

Biesecker Lab/Clinical Genomics Section, National Institutes of Health
Classification: Uncertain significance. Last evaluated: 2012-07-13. Review status: no assertion criteria provided. Collection method: research. Allele origin: germline. Affected: no. Observed: 1 variant allele. Study: ClinSeq. Not counted in ClinVar's aggregate classification.
ClinVar note: Converted during submission from variant of unknown significance to Uncertain significance.

NM_003000.3(SDHB):c.403G>A (p.Val135Met)

Gene: SDHB (succinate dehydrogenase complex iron sulfur subunit B; minus strand). Cytogenetic location: 1p36.13.
Variant type: single nucleotide variant.
Coding change: c.403G>A on transcript NM_003000.3 (MANE Select); coding-DNA position 403, G replaced by A.
Protein change: p.Val135Met; replaces valine 135 with methionine.
Molecular consequence: missense variant.
Genome position (GRCh38, 1-based): chr1:17,028,620, C>T on the plus strand (G>A on the coding strand, the complement: SDHB is on the minus strand). VCF-style: chr1-17028620-C-T. GRCh37 (hg19) VCF-style: chr1-17355115-C-T.
Other names: short protein forms V135M.
Identifiers: ClinVar variation 41770 (VCV000041770.35), dbSNP rs201585157, ClinGen allele CA015827.